The following is an entry in ClinVar:

ClinVar aggregate classification (germline): Conflicting classifications of pathogenicity. Review status: criteria provided, conflicting classifications (1 of 4 stars). 5 submissions from 5 submitters: Uncertain significance (1); Likely benign (2). 2 of the submissions do not count toward it. Last evaluated 2025-02-10.

Conditions:
MAN2B1-related disorder. Also called: MAN2B1-related condition.
Deficiency of alpha-mannosidase (MANSA). Also called: Alpha-Mannosidosis; LYSOSOMAL ALPHA-D-MANNOSIDASE DEFICIENCY; Mannosidosis, alpha-, types I and II. Identifiers: Orphanet 61, MedGen C0024748, MONDO:0009561, OMIM 248500.

Allele frequency attached by ClinVar (database versions not stated): ExAC 0.00001; gnomAD 0.00001; TOPMed 0.00003; ESP Exome Variant Server 0.00015.
gnomAD v4.1: 15 of 1,613,944 alleles (0.00093%); highest among the groups gnomAD compares: East Asian, 0.0045%; no homozygotes.

Submissions (5):

Labcorp Genetics (formerly Invitae), Labcorp
Classification: Likely benign for Deficiency of alpha-mannosidase. Last evaluated: 2025-02-10. Review status: criteria provided, single submitter. Criteria: Invitae Variant Classification Sherloc (09022015). Collection method: clinical testing. Allele origin: germline.

Genome-Nilou Lab
Classification: Likely benign for Deficiency of alpha-mannosidase. Last evaluated: 2021-09-05. Review status: criteria provided, single submitter. Criteria: ACMG Guidelines, 2015. Collection method: clinical testing. Allele origin: germline. Affected: no.

Illumina Laboratory Services, Illumina
Classification: Uncertain significance for Deficiency of alpha-mannosidase. Last evaluated: 2018-01-13. Review status: criteria provided, single submitter. Criteria: ICSL Variant Classification Criteria 13 December 2019. Collection method: clinical testing. Allele origin: germline.

Natera, Inc.
Classification: Uncertain significance for Alpha-mannosidosis. Last evaluated: 2020-08-14. Review status: no assertion criteria provided. Collection method: clinical testing. Allele origin: germline. Not counted in ClinVar's aggregate classification.

PreventionGenetics, part of Exact Sciences
Classification: Likely benign for MAN2B1-related condition. Last evaluated: 2019-09-17. Review status: no assertion criteria provided. Collection method: clinical testing. Allele origin: germline. Not counted in ClinVar's aggregate classification.
Comment: This variant is classified as likely benign based on ACMG/AMP sequence variant interpretation guidelines (Richards et al. 2015 PMID: 25741868, with internal and published modifications).

NM_000528.4(MAN2B1):c.855C>T (p.Pro285=)

Gene: MAN2B1 (mannosidase alpha class 2B member 1; minus strand). Cytogenetic location: 19p13.13.
Variant type: single nucleotide variant.
Coding change: c.855C>T on transcript NM_000528.4 (MANE Select); coding-DNA position 855, C replaced by T.
Protein change: p.Pro285=; no amino-acid change (proline 285 retained).
Molecular consequence: synonymous variant.
Genome position (GRCh38, 1-based): chr19:12,663,371, G>A on the plus strand (C>T on the coding strand, the complement: MAN2B1 is on the minus strand). VCF-style: chr19-12663371-G-A. GRCh37 (hg19) VCF-style: chr19-12774185-G-A.
Other names: c.855C>T, p.Pro285= (NM_001173498.2).
Identifiers: ClinVar variation 328275 (VCV000328275.19), dbSNP rs139218045, ClinGen allele CA9226692.